The following is an entry in ClinVar:

NM_021120.4(DLG3):c.1520+1G>T

Gene: DLG3 (discs large MAGUK scaffold protein 3; plus strand). Cytogenetic location: Xq13.1.
Variant type: single nucleotide variant.
Coding change: c.1520+1G>T on transcript NM_021120.4 (MANE Select); the canonical splice donor site of the intron after coding-DNA position 1520, G replaced by T.
Molecular consequence: splice donor variant.
Genome position (GRCh38, 1-based): chrX:70,479,265, G>T. VCF-style: chrX-70479265-G-T. GRCh37 (hg19) VCF-style: chrX-69699115-G-T.
Other names: NC_000023.10:g.69699115G>T; c.509+1G>T (NM_020730.3); c.71+1G>T (NM_001166278.2).
Identifiers: ClinVar variation 1098381 (VCV001098381.3), dbSNP rs2147842365, ClinGen allele CA413457373.

ClinVar aggregate classification (germline): Likely pathogenic (1 of 4 stars; one submission).

Submissions (2):

Genetics Laboratory, UDIAT-Centre Diagnòstic, Hospital Universitari Parc Tauli
Classification: Likely pathogenic. Last evaluated: 2021-04-26. Review status: criteria provided, single submitter. Criteria: Parc Tauli Hospital Assertion Criteria 2021. Collection method: clinical testing. Allele origin: maternal. Inheritance: Autosomal dominant inheritance. Affected: yes. Observed: 1 hemizygote.
Comment: PVS1_very strong;PM2_supporting

Dr. Peter K. Rogan Lab, Western University
No classification provided (evidence only). Condition: Thyroid cancer, nonmedullary, 1. Review status: no classification provided. Collection method: in vitro. Allele origin: not applicable. Functional consequence: retained intron. Not counted in ClinVar's aggregate classification.